The following is an entry in ClinVar:

ClinVar aggregate classification (germline): Likely benign. Review status: criteria provided, multiple submitters, no conflicts (2 of 4 stars). 3 submissions from 3 submitters: Likely benign (3). Last evaluated 2026-01-28.

Conditions:
Developmental and epileptic encephalopathy, 33 (DEE33). Also called: Epileptic encephalopathy, early infantile, 33. Identifiers: Orphanet 442835, MedGen C4225337, MONDO:0014625, OMIM 616409.

Allele frequency attached by ClinVar (database versions not stated): gnomAD 0.00001; gnomAD exomes 0.00001 and 0.00002; TOPMed 0.00002; ExAC 0.00003.
gnomAD v4.1: 18 of 1,604,538 alleles (0.0011%); highest among the groups gnomAD compares: Non-Finnish European, 0.0015%; no homozygotes.

Submissions (3):

Labcorp Genetics (formerly Invitae), Labcorp
Classification: Likely benign for Developmental and epileptic encephalopathy, 33. Last evaluated: 2026-01-28. Review status: criteria provided, single submitter. Criteria: Invitae Variant Classification Sherloc (09022015). Collection method: clinical testing. Allele origin: germline.

Blueprint Genetics
Classification: Likely benign. Last evaluated: 2024-10-25. Review status: criteria provided, single submitter. Criteria: ACMG Guidelines, 2015. Collection method: clinical testing. Allele origin: germline.

CeGaT Center for Human Genetics Tuebingen
Classification: Likely benign. Last evaluated: 2023-05-01. Review status: criteria provided, single submitter. Criteria: CeGaT Center For Human Genetics Tuebingen Variant Classification Criteria Version 2. Collection method: clinical testing. Allele origin: germline. Affected: yes. Observed: 2 variant alleles.
Comment: EEF1A2: BP4

NM_001958.5(EEF1A2):c.325-8C>T

Gene: EEF1A2 (eukaryotic translation elongation factor 1 alpha 2; minus strand). Cytogenetic location: 20q13.33.
Variant type: single nucleotide variant.
Coding change: c.325-8C>T on transcript NM_001958.5 (MANE Select); 8 bases into the intron before coding-DNA position 325, C replaced by T.
Molecular consequence: intron variant.
Genome position (GRCh38, 1-based): chr20:63,495,109, G>A on the plus strand (C>T on the coding strand, the complement: EEF1A2 is on the minus strand). VCF-style: chr20-63495109-G-A. GRCh37 (hg19) VCF-style: chr20-62126462-G-A.
Identifiers: ClinVar variation 1155783 (VCV001155783.40), dbSNP rs769119480, ClinGen allele CA9959116.
Genomic context (GRCh38, chr20:63,495,109, plus strand): 5'-CCCGCCTCGAACTCGCCCACGCCCGCCGCCACGATCAGCACTGCGCAGTCCGCCTGCCCG[G>A]CAGGGGACACAGTGAGCCCTGCCCCGCCTGCCTGGCAGGGGACAGAGCGAGCCTGGCCCC-3'